The following is an entry in ClinVar:

ClinVar aggregate classification (germline): Benign (1 of 4 stars; one submission).

Conditions:
Congenital defect of folate absorption. Also called: Hereditary Folate Malabsorption. Identifiers: Orphanet 90045, MedGen C0342705, MONDO:0009238, OMIM 229050.

Allele frequency attached by ClinVar (database versions not stated): gnomAD 0.00501 and 0.00528; 1000 Genomes Project 0.00639; 1000 Genomes Project 30x 0.00734; TOPMed 0.00749; gnomAD exomes 0.01282.
gnomAD v4.1: 796 of 152,380 alleles (0.52%); highest among the groups gnomAD compares: Admixed American, 2.9%; 11 homozygotes.

Submission:

Illumina Laboratory Services, Illumina
Classification: Benign for Congenital defect of folate absorption. Last evaluated: 2018-01-13. Review status: criteria provided, single submitter. Criteria: ICSL Variant Classification Criteria 13 December 2019. Collection method: clinical testing. Allele origin: germline.
Comment: This variant was observed in the ICSL laboratory as part of a predisposition screen in an ostensibly healthy population. It had not been previously curated by ICSL or reported in the Human Gene Mutation Database (HGMD: prior to June 1st, 2018), and was therefore a candidate for classification through an automated scoring system. Utilizing variant allele frequency, disease prevalence and penetrance estimates, and inheritance mode, an automated score was calculated to assess if this variant is too frequent to cause the disease. Based on the score and internal cut-off values, a variant classified as benign is not then subjected to further curation. The score for this variant resulted in a classification of benign for this disease.

NM_080669.6(SLC46A1):c.*1243A>G

Genes: SLC46A1 (solute carrier family 46 member 1; minus strand), SARM1 (sterile alpha and TIR motif containing 1; plus strand). Cytogenetic location: 17q11.2.
Variant type: single nucleotide variant.
Coding change: c.*1243A>G on transcript NM_080669.6 (MANE Select); 1243 bases downstream of the stop codon, A replaced by G.
Molecular consequence: 3 prime UTR variant.
Genome position (GRCh38, 1-based): chr17:28,398,413, T>C on the plus strand (A>G on the coding strand, the complement: SLC46A1 is on the minus strand). VCF-style: chr17-28398413-T-C. GRCh37 (hg19) VCF-style: chr17-26725429-T-C.
Other names: c.*1243A>G (NM_001242366.3); c.*2127T>C (NM_015077.4).
Identifiers: ClinVar variation 322387 (VCV000322387.5), dbSNP rs41297909, ClinGen allele CA10639247.